The following is an entry in ClinVar:

ClinVar aggregate classification (germline): Uncertain significance. Review status: criteria provided, multiple submitters, no conflicts (2 of 4 stars). 4 submissions from 4 submitters: Uncertain significance (4). Last evaluated 2025-05-23.

Conditions:
Short-rib thoracic dysplasia 7 with or without polydactyly (SRTD7). Also called: Short rib polydactyly syndrome 5; SHORT-RIB THORACIC DYSPLASIA 7 WITH POLYDACTYLY. Identifiers: Orphanet 498497, Orphanet 93271, MedGen C3279792, MONDO:0013569, OMIM 614091.
Cranioectodermal dysplasia 2 (CED2). Identifiers: Orphanet 1515, MedGen C3150874, MONDO:0013323, OMIM 613610.

Allele frequency attached by ClinVar (database versions not stated): gnomAD 0.00001 and 0.00002; TOPMed 0.00002; gnomAD exomes 0.00003 and 0.00008; ExAC 0.00006; ESP Exome Variant Server 0.00008.
gnomAD v4.1: 118 of 1,613,814 alleles (0.0073%); highest among the groups gnomAD compares: Non-Finnish European, 0.0096%; no homozygotes.

Submissions (4):

GeneDx
Classification: Uncertain significance. Last evaluated: 2025-05-23. Review status: criteria provided, single submitter. Criteria: GeneDx Variant Classification Process June 2021. Collection method: clinical testing. Allele origin: germline. Affected: yes.
Comment: In silico analysis suggests that this missense variant does not alter protein structure/function; Has not been previously published as pathogenic or benign to our knowledge

Fulgent Genetics
Classification: Uncertain significance for Cranioectodermal dysplasia 2; Short-rib thoracic dysplasia 7 with or without polydactyly. Last evaluated: 2024-05-07. Review status: criteria provided, single submitter. Criteria: ACMG Guidelines, 2015. Collection method: clinical testing. Allele origin: germline.

Blueprint Genetics
Classification: Uncertain significance. Last evaluated: 2021-12-30. Review status: criteria provided, single submitter. Criteria: ACMG Guidelines, 2015. Collection method: clinical testing. Allele origin: germline.

Labcorp Genetics (formerly Invitae), Labcorp
Classification: Uncertain significance for Cranioectodermal dysplasia 2; Short-rib thoracic dysplasia 7 with or without polydactyly. Last evaluated: 2021-06-22. Review status: criteria provided, single submitter. Criteria: Invitae Variant Classification Sherloc (09022015). Collection method: clinical testing. Allele origin: germline.
Comment: In summary, the available evidence is currently insufficient to determine the role of this variant in disease. Therefore, it has been classified as a Variant of Uncertain Significance. Algorithms developed to predict the effect of missense changes on protein structure and function (SIFT, PolyPhen-2, Align-GVGD) all suggest that this variant is likely to be tolerated. This variant has not been reported in the literature in individuals affected with WDR35-related conditions. This variant is present in population databases (rs199849430, ExAC 0.01%). This sequence change replaces alanine with glycine at codon 887 of the WDR35 protein (p.Ala887Gly). The alanine residue is highly conserved and there is a small physicochemical difference between alanine and glycine.

NM_020779.4(WDR35):c.2627C>G (p.Ala876Gly)

Gene: WDR35 (WD repeat domain 35; minus strand). Cytogenetic location: 2p24.1.
Variant type: single nucleotide variant.
Coding change: c.2627C>G on transcript NM_020779.4 (MANE Select); coding-DNA position 2627, C replaced by G.
Protein change: p.Ala876Gly; replaces alanine 876 with glycine.
Molecular consequence: missense variant.
Genome position (GRCh38, 1-based): chr2:19,933,432, G>C on the plus strand (C>G on the coding strand, the complement: WDR35 is on the minus strand). VCF-style: chr2-19933432-G-C. GRCh37 (hg19) VCF-style: chr2-20133193-G-C.
Other names: c.2660C>G (NM_001006657.1); c.2660C>G, p.Ala887Gly (NM_001006657.2); short protein forms A876G, A887G.
Identifiers: ClinVar variation 1485583 (VCV001485583.10), dbSNP rs199849430, ClinGen allele CA1542894.
Genomic context (GRCh38, chr2:19,933,432, plus strand): 5'-CTGCACAGACAGAAAGTTTCAGTTCCTACTTGGTTGAGATGTACGCAGGTATCTACTGCT[G>C]CCTTTGGTTGACTACATTTCAAAAATGCAGTCACTGCTTGTTCACACATTCCAACTCTGA-3'
Protein context (NP_065830.2, residues 866-886): TAFLKCSQPK[Ala876Gly]AVDTCVHLNQ